The following is an entry in ClinVar:

NM_014263.4(YME1L1):c.2084C>T (p.Thr695Ile)

Gene: YME1L1 (YME1 like 1 ATPase; minus strand). Cytogenetic location: 10p12.1.
Variant type: single nucleotide variant.
Coding change: c.2084C>T on transcript NM_014263.4 (MANE Select); coding-DNA position 2084, C replaced by T.
Protein change: p.Thr695Ile; replaces threonine 695 with isoleucine.
Molecular consequence: missense variant.
Genome position (GRCh38, 1-based): chr10:27,112,044, G>A on the plus strand (C>T on the coding strand, the complement: YME1L1 is on the minus strand). VCF-style: chr10-27112044-G-A. GRCh37 (hg19) VCF-style: chr10-27400973-G-A.
Other names: c.1985C>T, p.Thr662Ile (NM_001253866.2); c.2255C>T, p.Thr752Ile (NM_139312.3); short protein forms T662I, T695I, T752I.
Identifiers: ClinVar variation 3625566 (VCV003625566.2).

ClinVar aggregate classification (germline): Uncertain significance (1 of 4 stars; one submission).

gnomAD v4.1: 8 of 1,613,864 alleles (0.0005%); highest among the groups gnomAD compares: Non-Finnish European, 0.00059%; no homozygotes.

Submission:

Labcorp Genetics (formerly Invitae), Labcorp
Classification: Uncertain significance. Last evaluated: 2024-06-03. Review status: criteria provided, single submitter. Criteria: Invitae Variant Classification Sherloc (09022015). Collection method: clinical testing. Allele origin: germline.
Comment: This sequence change replaces threonine, which is neutral and polar, with isoleucine, which is neutral and non-polar, at codon 752 of the YME1L1 protein (p.Thr752Ile). This variant is present in population databases (no rsID available, gnomAD 0.007%). This variant has not been reported in the literature in individuals affected with YME1L1-related conditions. An algorithm developed to predict the effect of missense changes on protein structure and function (PolyPhen-2) suggests that this variant is likely to be tolerated. In summary, the available evidence is currently insufficient to determine the role of this variant in disease. Therefore, it has been classified as a Variant of Uncertain Significance.